The following is an entry in ClinVar:

NM_173354.5(SIK1):c.934A>C (p.Met312Leu)

Gene: SIK1 (salt inducible kinase 1; minus strand). Cytogenetic location: 21q22.3.
Variant type: single nucleotide variant.
Coding change: c.934A>C on transcript NM_173354.5 (MANE Select); coding-DNA position 934, A replaced by C.
Protein change: p.Met312Leu; replaces methionine 312 with leucine.
Molecular consequence: missense variant.
Genome position (GRCh38, 1-based): chr21:43,420,272, T>G on the plus strand (A>C on the coding strand, the complement: SIK1 is on the minus strand). VCF-style: chr21-43420272-T-G. GRCh37 (hg19) VCF-style: chr21-44840152-T-G.
Other names: short protein forms M312L.
Identifiers: ClinVar variation 1804349 (VCV001804349.1), dbSNP rs1326870671, ClinGen allele CA410609103.

ClinVar aggregate classification (germline): Uncertain significance (1 of 4 stars; one submission).

Submission:

GeneDx
Classification: Uncertain significance. Last evaluated: 2022-06-13. Review status: criteria provided, single submitter. Criteria: GeneDx Variant Classification Process June 2021. Collection method: clinical testing. Allele origin: germline. Affected: yes.
Comment: Not observed at significant frequency in large population cohorts (gnomAD); In silico analysis supports that this missense variant has a deleterious effect on protein structure/function; Has not been previously published as pathogenic or benign to our knowledge